The following is an entry in ClinVar:

NM_007186.6(CEP250):c.2725C>T (p.Arg909Trp)

Genes: CEP250 (centrosomal protein 250; plus strand), CEP250-AS1 (CEP250 antisense RNA 1; minus strand). Cytogenetic location: 20q11.22.
Variant type: single nucleotide variant.
Coding change: c.2725C>T on transcript NM_007186.6 (MANE Select); coding-DNA position 2725, C replaced by T.
Protein change: p.Arg909Trp; replaces arginine 909 with tryptophan.
Molecular consequence: missense variant.
Genome position (GRCh38, 1-based): chr20:35,490,775, C>T. VCF-style: chr20-35490775-C-T. GRCh37 (hg19) VCF-style: chr20-34078601-C-T.
Other names: c.829C>T, p.Arg277Trp (NM_001318219.1); c.2725C>T (NM_007186.3); short protein forms R277W, R909W.
Identifiers: ClinVar variation 967845 (VCV000967845.9), dbSNP rs769974123, ClinGen allele CA9833257.

ClinVar aggregate classification (germline): Uncertain significance. Review status: criteria provided, multiple submitters, no conflicts (2 of 4 stars). 3 submissions from 3 submitters: Uncertain significance (3). Last evaluated 2025-10-15.

Allele frequency attached by ClinVar (database versions not stated): gnomAD 0.00003; ExAC 0.00007; gnomAD exomes 0.00009; TOPMed 0.00009.
gnomAD v4.1: 36 of 1,613,312 alleles (0.0022%); highest among the groups gnomAD compares: Admixed American, 0.045%; no homozygotes.

Submissions (3):

Labcorp Genetics (formerly Invitae), Labcorp
Classification: Uncertain significance. Last evaluated: 2025-10-15. Review status: criteria provided, single submitter. Criteria: Invitae Variant Classification Sherloc (09022015). Collection method: clinical testing. Allele origin: germline.
Comment: This sequence change replaces arginine, which is basic and polar, with tryptophan, which is neutral and slightly polar, at codon 909 of the CEP250 protein (p.Arg909Trp). This variant is present in population databases (rs769974123, gnomAD 0.07%). This variant has not been reported in the literature in individuals affected with CEP250-related conditions. ClinVar contains an entry for this variant (Variation ID: 967845). An algorithm developed to predict the effect of missense changes on protein structure and function (PolyPhen-2) suggests that this variant is likely to be disruptive. In summary, the available evidence is currently insufficient to determine the role of this variant in disease. Therefore, it has been classified as a Variant of Uncertain Significance.

Ambry Genetics
Classification: Uncertain significance. Last evaluated: 2023-04-18. Review status: criteria provided, single submitter. Criteria: Ambry Variant Classification Scheme 2023. Collection method: clinical testing. Allele origin: germline.

Blueprint Genetics
Classification: Uncertain significance. Last evaluated: 2022-09-01. Review status: criteria provided, single submitter. Criteria: ACMG Guidelines, 2015. Collection method: clinical testing. Allele origin: germline.